The following is an entry in ClinVar:

ClinVar aggregate classification (germline): Uncertain significance. Review status: criteria provided, multiple submitters, no conflicts (2 of 4 stars). 2 submissions from 2 submitters: Uncertain significance (2). Last evaluated 2023-02-20.

gnomAD v4.1: 16 of 1,613,864 alleles (0.00099%); highest among the groups gnomAD compares: Admixed American, 0.013%; no homozygotes.

Submissions (2):

GeneDx
Classification: Uncertain significance. Last evaluated: 2023-02-20. Review status: criteria provided, single submitter. Criteria: GeneDx Variant Classification Process June 2021. Collection method: clinical testing. Allele origin: germline. Affected: yes.
Comment: In silico analysis supports that this missense variant has a deleterious effect on protein structure/function; Has not been previously published as pathogenic or benign to our knowledge

Labcorp Genetics (formerly Invitae), Labcorp
Classification: Uncertain significance. Last evaluated: 2022-05-29. Review status: criteria provided, single submitter. Criteria: Invitae Variant Classification Sherloc (09022015). Collection method: clinical testing. Allele origin: germline.
Comment: This sequence change replaces arginine, which is basic and polar, with cysteine, which is neutral and slightly polar, at codon 695 of the CDH3 protein (p.Arg695Cys). This variant is present in population databases (rs202110644, gnomAD 0.01%). This variant has not been reported in the literature in individuals affected with CDH3-related conditions. ClinVar contains an entry for this variant (Variation ID: 1019520). Algorithms developed to predict the effect of missense changes on protein structure and function are either unavailable or do not agree on the potential impact of this missense change (SIFT: "Not Available"; PolyPhen-2: "Probably Damaging"; Align-GVGD: "Not Available"). In summary, the available evidence is currently insufficient to determine the role of this variant in disease. Therefore, it has been classified as a Variant of Uncertain Significance.

NM_001793.6(CDH3):c.2083C>T (p.Arg695Cys)

Gene: CDH3 (cadherin 3; plus strand). Cytogenetic location: 16q22.1.
Variant type: single nucleotide variant.
Coding change: c.2083C>T on transcript NM_001793.6 (MANE Select); coding-DNA position 2083, C replaced by T.
Protein change: p.Arg695Cys; replaces arginine 695 with cysteine.
Molecular consequence: missense variant.
Genome position (GRCh38, 1-based): chr16:68,695,335, C>T. VCF-style: chr16-68695335-C-T. GRCh37 (hg19) VCF-style: chr16-68729238-C-T.
Other names: c.2083C>T, p.Arg695Cys (NM_001317195.3); c.1918C>T, p.Arg640Cys (NM_001317196.2); c.2083C>T (NM_001793.4); short protein forms R640C, R695C.
Identifiers: ClinVar variation 1019520 (VCV001019520.6), dbSNP rs202110644, ClinGen allele CA8129564.